The following is an entry in ClinVar:

NM_023110.3(FGFR1):c.-89+3827T>C

Gene: FGFR1 (fibroblast growth factor receptor 1; minus strand). Cytogenetic location: 8p11.23.
Variant type: single nucleotide variant.
Coding change: c.-89+3827T>C on transcript NM_023110.3 (MANE Select); 3827 bases into the intron after 89 bases upstream of the start codon, T replaced by C.
Molecular consequence: intron variant.
Genome position (GRCh38, 1-based): chr8:38,464,154, A>G on the plus strand (T>C on the coding strand, the complement: FGFR1 is on the minus strand). VCF-style: chr8-38464154-A-G. GRCh37 (hg19) VCF-style: chr8-38321672-A-G.
Other names: c.-89+3827T>C (NM_001354368.2, NM_001354370.2, NM_023106.3 and 4 more transcripts); c.-181+3827T>C (NM_001174064.2); c.-89+3518T>C (NM_001174066.2, NM_001354369.2, NM_001410922.1 and 1 more transcripts); c.-149-2899T>C (NM_001174067.2).
Identifiers: ClinVar variation 2583063 (VCV002583063.25), dbSNP rs139544821, ClinGen allele CA175775258.
Genomic context (GRCh38, chr8:38,464,154, plus strand): 5'-TGCTTGAGGTCAGGAGTTCAAGCCCAGCCTGGCCAACATGGTGAAACACCATCTCTATTA[A>G]AAACACAAAAAATTAGCCGGACATGGTGGCGCATGCTTGCAATCCCAGCTACTAGGGAGG-3'

ClinVar aggregate classification (germline): Likely benign (1 of 4 stars; one submission).

Allele frequency attached by ClinVar (database versions not stated): 1000 Genomes Project 30x 0.00219; 1000 Genomes Project 0.00240; TOPMed 0.00251; gnomAD 0.00317.
gnomAD v4.1: 483 of 152,184 alleles (0.32%); highest among the groups gnomAD compares: Non-Finnish European, 0.44%; 4 homozygotes.

Submission:

CeGaT Center for Human Genetics Tuebingen
Classification: Likely benign. Last evaluated: 2026-09-01. Review status: criteria provided, single submitter. Criteria: CeGaT Center For Human Genetics Tuebingen Variant Classification Criteria Version 2. Collection method: clinical testing. Allele origin: germline. Affected: yes. Observed: 19 variant alleles.
Comment: FGFR1: BS1